The following is an entry in ClinVar:

NM_013275.6(ANKRD11):c.1896T>G (p.His632Gln)

Gene: ANKRD11 (ankyrin repeat domain containing 11; minus strand). Cytogenetic location: 16q24.3.
Variant type: single nucleotide variant.
Coding change: c.1896T>G on transcript NM_013275.6 (MANE Select); coding-DNA position 1896, T replaced by G.
Protein change: p.His632Gln; replaces histidine 632 with glutamine.
Molecular consequence: missense variant.
Genome position (GRCh38, 1-based): chr16:89,284,646, A>C on the plus strand (T>G on the coding strand, the complement: ANKRD11 is on the minus strand). VCF-style: chr16-89284646-A-C. GRCh37 (hg19) VCF-style: chr16-89351054-A-C.
Other names: c.1896T>G, p.His632Gln (NM_001256182.2, NM_001256183.2); short protein forms H632Q.
Identifiers: ClinVar variation 3368467 (VCV003368467.1).

ClinVar aggregate classification (germline): Uncertain significance (1 of 4 stars; one submission).

Submission:

GeneDx
Classification: Uncertain significance. Last evaluated: 2024-01-31. Review status: criteria provided, single submitter. Criteria: GeneDx Variant Classification Process June 2021. Collection method: clinical testing. Allele origin: germline. Affected: yes.
Comment: Not observed at significant frequency in large population cohorts (gnomAD); In silico analysis supports that this missense variant has a deleterious effect on protein structure/function; Has not been previously published as pathogenic or benign to our knowledge